The following is an entry in ClinVar:

ClinVar aggregate classification (germline): Uncertain significance (1 of 4 stars; one submission).

Conditions:
Combined immunodeficiency due to OX40 deficiency. Also called: OX40 DEFICIENCY; Immunodeficiency 16. Identifiers: Orphanet 431149, MedGen C3810053, MONDO:0014268, OMIM 615593.

gnomAD v4.1: 15 of 1,610,078 alleles (0.00093%); highest among the groups gnomAD compares: East Asian, 0.0045%; no homozygotes.

Submission:

Labcorp Genetics (formerly Invitae), Labcorp
Classification: Uncertain significance for Combined immunodeficiency due to OX40 deficiency. Last evaluated: 2024-07-24. Review status: criteria provided, single submitter. Criteria: Invitae Variant Classification Sherloc (09022015). Collection method: clinical testing. Allele origin: germline.
Comment: This sequence change replaces arginine, which is basic and polar, with glutamine, which is neutral and polar, at codon 95 of the TNFRSF4 protein (p.Arg95Gln). This variant is not present in population databases (gnomAD no frequency). This variant has not been reported in the literature in individuals affected with TNFRSF4-related conditions. Advanced modeling of protein sequence and biophysical properties (such as structural, functional, and spatial information, amino acid conservation, physicochemical variation, residue mobility, and thermodynamic stability) performed at Invitae indicates that this missense variant is not expected to disrupt TNFRSF4 protein function with a negative predictive value of 80%. In summary, the available evidence is currently insufficient to determine the role of this variant in disease. Therefore, it has been classified as a Variant of Uncertain Significance.

NM_003327.4(TNFRSF4):c.284G>A (p.Arg95Gln)

Gene: TNFRSF4 (TNF receptor superfamily member 4; minus strand). Cytogenetic location: 1p36.33.
Variant type: single nucleotide variant.
Coding change: c.284G>A on transcript NM_003327.4 (MANE Select); coding-DNA position 284, G replaced by A.
Protein change: p.Arg95Gln; replaces arginine 95 with glutamine.
Molecular consequence: missense variant.
Genome position (GRCh38, 1-based): chr1:1,213,078, C>T on the plus strand (G>A on the coding strand, the complement: TNFRSF4 is on the minus strand). VCF-style: chr1-1213078-C-T. GRCh37 (hg19) VCF-style: chr1-1148458-C-T.
Other names: c.284G>A, p.Arg95Gln (NM_001410709.1); short protein forms R95Q.
Identifiers: ClinVar variation 3605153 (VCV003605153.2).